The following is an entry in ClinVar:

NM_003482.4(KMT2D):c.15397T>C (p.Cys5133Arg)

Gene: KMT2D (lysine methyltransferase 2D; minus strand). Cytogenetic location: 12q13.12.
Variant type: single nucleotide variant.
Coding change: c.15397T>C on transcript NM_003482.4 (MANE Select); coding-DNA position 15397, T replaced by C.
Protein change: p.Cys5133Arg; replaces cysteine 5133 with arginine.
Molecular consequence: missense variant.
Genome position (GRCh38, 1-based): chr12:49,026,569, A>G on the plus strand (T>C on the coding strand, the complement: KMT2D is on the minus strand). VCF-style: chr12-49026569-A-G. GRCh37 (hg19) VCF-style: chr12-49420352-A-G.
Other names: short protein forms C5133R.
Identifiers: ClinVar variation 1509750 (VCV001509750.8), dbSNP rs2120360235, ClinGen allele CA384688343.

ClinVar aggregate classification (germline): Likely pathogenic (1 of 4 stars; one submission).

Conditions:
Kabuki syndrome. Also called: NIIKAWA-KUROKI SYNDROME; Kabuki make-up syndrome. Identifiers: Orphanet 2322, MedGen C0796004, MONDO:0016512.

Submission:

Labcorp Genetics (formerly Invitae), Labcorp
Classification: Likely pathogenic for Kabuki syndrome. Last evaluated: 2021-04-05. Review status: criteria provided, single submitter. Criteria: Invitae Variant Classification Sherloc (09022015). Collection method: clinical testing. Allele origin: germline.
Comment: In summary, the currently available evidence indicates that the variant is pathogenic, but additional data are needed to prove that conclusively. Therefore, this variant has been classified as Likely Pathogenic. Advanced modeling of protein sequence and biophysical properties (such as structural, functional, and spatial information, amino acid conservation, physicochemical variation, residue mobility, and thermodynamic stability) performed at Invitae indicates that this missense variant is expected to disrupt KMT2D protein function. This variant has been observed in individual(s) with Kabuki syndrome (PMID: 27302555, Invitae). This variant is not present in population databases (ExAC no frequency). This sequence change replaces cysteine with arginine at codon 5133 of the KMT2D protein (p.Cys5133Arg). The cysteine residue is highly conserved and there is a large physicochemical difference between cysteine and arginine.

Literature cited by the submitters: PubMed 27302555.